The following is an entry in ClinVar:

ClinVar aggregate classification (germline): Likely benign. Review status: criteria provided, multiple submitters, no conflicts (2 of 4 stars). 5 submissions from 5 submitters: Likely benign (3). 2 of the submissions do not count toward it. Last evaluated 2026-09-01.

Conditions:
ALPL-related disorder. Also called: ALPL-related disorders; ALPL-related condition.
Hypophosphatasia. Also called: Phosphoethanol-aminuria. Identifiers: Orphanet 436, MedGen C0020630, MeSH D007014, MONDO:0018570.

Allele frequency attached by ClinVar (database versions not stated): gnomAD exomes 0.00005 and 0.00011; ESP Exome Variant Server 0.00008; TOPMed 0.00009; gnomAD 0.00010 and 0.00011; ExAC 0.00013; 1000 Genomes Project 30x 0.00016; 1000 Genomes Project 0.00020.
gnomAD v4.1: 96 of 1,614,172 alleles (0.0059%); highest among the groups gnomAD compares: East Asian, 0.12%; no homozygotes.

Submissions (5):

Genomenon, Inc
Classification: Likely benign for Hypophosphatasia. Last evaluated: 2026-09-01. Review status: criteria provided, single submitter. Criteria: Genomenon Sequence Variant Interpretation Standards - Updated. Collection method: curation. Allele origin: germline. Affected: no.
Comment: ALPL c.1014C>T is a synonymous variant that retains Histidine at codon 338. This variant has been reported in the published literature (PMID:39925621;7833929). This variant is not predicted to impact splicing. In conclusion, we classify ALPL p.His338= (c.1014C>T) as a likely benign variant.

Labcorp Genetics (formerly Invitae), Labcorp
Classification: Likely benign. Last evaluated: 2026-01-20. Review status: criteria provided, single submitter. Criteria: Invitae Variant Classification Sherloc (09022015). Collection method: clinical testing. Allele origin: germline.

Illumina Laboratory Services, Illumina
Classification: Likely benign for Hypophosphatasia. Last evaluated: 2018-01-12. Review status: criteria provided, single submitter. Criteria: ICSL Variant Classification Criteria 13 December 2019. Collection method: clinical testing. Allele origin: germline.
Comment: This variant was observed in the ICSL laboratory as part of a predisposition screen in an ostensibly healthy population. It had not been previously curated by ICSL or reported in the Human Gene Mutation Database (HGMD: prior to June 1st, 2018), and was therefore a candidate for classification through an automated scoring system. Utilizing variant allele frequency, disease prevalence and penetrance estimates, and inheritance mode, an automated score was calculated to assess if this variant is too frequent to cause the disease. Based on the score and internal cut-off values, a variant classified as likely benign is not then subjected to further curation. The score for this variant resulted in a classification of likely benign for this disease.

PreventionGenetics, part of Exact Sciences
Classification: Likely benign for ALPL-related condition. Last evaluated: 2024-02-06. Review status: no assertion criteria provided. Collection method: clinical testing. Allele origin: germline. Not counted in ClinVar's aggregate classification.
Comment: This variant is classified as likely benign based on ACMG/AMP sequence variant interpretation guidelines (Richards et al. 2015 PMID: 25741868, with internal and published modifications).

Natera, Inc.
Classification: Likely benign for Hypophosphatasia. Last evaluated: 2020-09-15. Review status: no assertion criteria provided. Collection method: clinical testing. Allele origin: germline. Not counted in ClinVar's aggregate classification.

Literature cited by the submitters: PubMed 39925621 (cited by Genomenon, Inc); PubMed 7833929 (cited by Genomenon, Inc).

NM_000478.6(ALPL):c.1014C>T (p.His338=)

Gene: ALPL (alkaline phosphatase, biomineralization associated; plus strand). Cytogenetic location: 1p36.12.
Variant type: single nucleotide variant.
Coding change: c.1014C>T on transcript NM_000478.6 (MANE Select); coding-DNA position 1014, C replaced by T.
Protein change: p.His338=; no amino-acid change (histidine 338 retained).
Molecular consequence: synonymous variant.
Genome position (GRCh38, 1-based): chr1:21,575,749, C>T. VCF-style: chr1-21575749-C-T. GRCh37 (hg19) VCF-style: chr1-21902242-C-T.
Other names: c.849C>T, p.His283= (NM_001127501.4); c.783C>T, p.His261= (NM_001177520.3); c.1014C>T, p.His338= (NM_001369803.2, NM_001369804.2, NM_001369805.2).
Identifiers: ClinVar variation 295547 (VCV000295547.19), dbSNP rs147688908, ClinGen allele CA666720.
Genomic context (GRCh38, chr1:21,575,749, plus strand): 5'-CCTCCCCTCCTCCCTCACCGAGGCCTTTGCCTTGGTGTCCCAAGGAGGCAGAATTGACCA[C>T]GGGCACCATGAAGGAAAAGCCAAGCAGGCCCTGCATGAGGCGGTGGAGATGGACCGGGCC-3'
Protein context (NP_000469.3, residues 328-348): FLLVEGGRID[His338=]GHHEGKAKQA